The following is an entry in ClinVar:

ClinVar aggregate classification (germline): Uncertain significance (1 of 4 stars; one submission).

Submission:

GeneDx
Classification: Uncertain significance. Last evaluated: 2024-02-04. Review status: criteria provided, single submitter. Criteria: GeneDx Variant Classification Process June 2021. Collection method: clinical testing. Allele origin: germline. Affected: yes.
Comment: Not observed at significant frequency in large population cohorts (gnomAD); In silico analysis supports that this missense variant has a deleterious effect on protein structure/function; Has not been previously published as pathogenic or benign to our knowledge

NM_002055.5(GFAP):c.1031G>A (p.Arg344His)

Gene: GFAP (glial fibrillary acidic protein; minus strand). Cytogenetic location: 17q21.31.
Variant type: single nucleotide variant.
Coding change: c.1031G>A on transcript NM_002055.5 (MANE Select); coding-DNA position 1031, G replaced by A.
Protein change: p.Arg344His; replaces arginine 344 with histidine.
Molecular consequence: missense variant.
Genome position (GRCh38, 1-based): chr17:44,911,332, C>T on the plus strand (G>A on the coding strand, the complement: GFAP is on the minus strand). VCF-style: chr17-44911332-C-T. GRCh37 (hg19) VCF-style: chr17-42988700-C-T.
Other names: c.1031G>A, p.Arg344His (NM_001131019.3, NM_001242376.3, NM_001363846.2); short protein forms R344H.
Identifiers: ClinVar variation 3340223 (VCV003340223.1).